The following is an entry in ClinVar:

NM_001206927.2(DNAH8):c.11878G>A (p.Glu3960Lys)

Genes: DNAH8 (dynein axonemal heavy chain 8; plus strand), DNAH8-AS1 (DNAH8 antisense RNA 1; minus strand). Cytogenetic location: 6p21.2.
Variant type: single nucleotide variant.
Coding change: c.11878G>A on transcript NM_001206927.2 (MANE Select); coding-DNA position 11878, G replaced by A.
Protein change: p.Glu3960Lys; replaces glutamic acid 3960 with lysine.
Molecular consequence: missense variant.
Genome position (GRCh38, 1-based): chr6:38,938,859, G>A. VCF-style: chr6-38938859-G-A. GRCh37 (hg19) VCF-style: chr6-38906635-G-A.
Other names: c.11878G>A (NM_001206927.1); c.11227G>A, p.Glu3743Lys (NM_001371.4); short protein forms E3743K, E3960K.
Identifiers: ClinVar variation 2155559 (VCV002155559.5), dbSNP rs940769485, ClinGen allele CA137597861.
Genomic context (GRCh38, chr6:38,938,859, plus strand): 5'-TCTGAAAAGTCACCACTACCTCAAAAGAGAATTACAAATATTATCGAGTACCTGACATAT[G>A]AAGTTTTTACATACTCTGTCAGAGGCCTATACGAAAACCACAAATTCCTGTTTGTACTCC-3'
Protein context (NP_001193856.1, residues 3950-3970): ITNIIEYLTY[Glu3960Lys]VFTYSVRGLY

ClinVar aggregate classification (germline): Uncertain significance. Review status: criteria provided, multiple submitters, no conflicts (2 of 4 stars). 2 submissions from 2 submitters: Uncertain significance (2). Last evaluated 2025-11-03.

Conditions:
Primary ciliary dyskinesia. Also called: Ciliary dyskinesia. Identifiers: Orphanet 244, MedGen C0008780, MONDO:0016575, HP:0012265.

Allele frequency attached by ClinVar (database versions not stated): gnomAD 0.00001; gnomAD exomes 0.00001; TOPMed 0.00001.
gnomAD v4.1: 4 of 1,613,010 alleles (0.00025%); highest among the groups gnomAD compares: Non-Finnish European, 0.00034%; no homozygotes.

Submissions (2):

Labcorp Genetics (formerly Invitae), Labcorp
Classification: Uncertain significance for Primary ciliary dyskinesia. Last evaluated: 2025-11-03. Review status: criteria provided, single submitter. Criteria: Invitae Variant Classification Sherloc (09022015). Collection method: clinical testing. Allele origin: germline.
Comment: This sequence change replaces glutamic acid, which is acidic and polar, with lysine, which is basic and polar, at codon 3960 of the DNAH8 protein (p.Glu3960Lys). This variant is present in population databases (no rsID available, gnomAD 0.0009%). This variant has not been reported in the literature in individuals affected with DNAH8-related conditions. ClinVar contains an entry for this variant (Variation ID: 2155559). Invitae Evidence Modeling of protein sequence and biophysical properties (such as structural, functional, and spatial information, amino acid conservation, physicochemical variation, residue mobility, and thermodynamic stability) indicates that this missense variant is not expected to disrupt DNAH8 protein function with a negative predictive value of 80%. In summary, the available evidence is currently insufficient to determine the role of this variant in disease. Therefore, it has been classified as a Variant of Uncertain Significance.

Ambry Genetics
Classification: Uncertain significance. Last evaluated: 2025-05-21. Review status: criteria provided, single submitter. Criteria: Ambry Variant Classification Scheme 2023. Collection method: clinical testing. Allele origin: germline.